The following is an entry in ClinVar:

ClinVar aggregate classification (germline): Uncertain significance (1 of 4 stars; one submission).

Allele frequency attached by ClinVar (database versions not stated): ExAC 0.00001; gnomAD 0.00001.

Submission:

Labcorp Genetics (formerly Invitae), Labcorp
Classification: Uncertain significance. Last evaluated: 2022-03-14. Review status: criteria provided, single submitter. Criteria: Invitae Variant Classification Sherloc (09022015). Collection method: clinical testing. Allele origin: germline.
Comment: In summary, the available evidence is currently insufficient to determine the role of this variant in disease. Therefore, it has been classified as a Variant of Uncertain Significance. Algorithms developed to predict the effect of missense changes on protein structure and function (SIFT, PolyPhen-2, Align-GVGD) all suggest that this variant is likely to be disruptive. This variant has not been reported in the literature in individuals affected with SC5D-related conditions. This variant is not present in population databases (gnomAD no frequency). This sequence change replaces aspartic acid, which is acidic and polar, with glycine, which is neutral and non-polar, at codon 2 of the SC5D protein (p.Asp2Gly).

NM_006918.5(SC5D):c.5A>G (p.Asp2Gly)

Gene: SC5D (sterol-C5-desaturase; plus strand). Cytogenetic location: 11q24.1.
Variant type: single nucleotide variant.
Coding change: c.5A>G on transcript NM_006918.5 (MANE Select); coding-DNA position 5, A replaced by G.
Protein change: p.Asp2Gly; replaces aspartic acid 2 with glycine.
Molecular consequence: missense variant.
Genome position (GRCh38, 1-based): chr11:121,303,380, A>G. VCF-style: chr11-121303380-A-G. GRCh37 (hg19) VCF-style: chr11-121174089-A-G.
Other names: c.5A>G, p.Asp2Gly (NM_001024956.3); short protein forms D2G.
Identifiers: ClinVar variation 1930429 (VCV001930429.5), dbSNP rs754367775, ClinGen allele CA6328014.